The following is an entry in ClinVar:

NM_002473.6(MYH9):c.5431G>A (p.Ala1811Thr)

Gene: MYH9 (myosin heavy chain 9; minus strand). Cytogenetic location: 22q12.3.
Variant type: single nucleotide variant.
Coding change: c.5431G>A on transcript NM_002473.6 (MANE Select); coding-DNA position 5431, G replaced by A.
Protein change: p.Ala1811Thr; replaces alanine 1811 with threonine.
Molecular consequence: missense variant.
Genome position (GRCh38, 1-based): chr22:36,285,173, C>T on the plus strand (G>A on the coding strand, the complement: MYH9 is on the minus strand). VCF-style: chr22-36285173-C-T. GRCh37 (hg19) VCF-style: chr22-36681219-C-T.
Other names: c.5431G>A (NM_002473.4); short protein forms A1811T.
Identifiers: ClinVar variation 1450149 (VCV001450149.10), dbSNP rs1302814429, ClinGen allele CA411373491.

ClinVar aggregate classification (germline): Conflicting classifications of pathogenicity. Review status: criteria provided, conflicting classifications (1 of 4 stars). 4 submissions from 4 submitters: Uncertain significance (2); Likely benign (2). Last evaluated 2024-12-01.

Conditions:
Macrothrombocytopenia and granulocyte inclusions with or without nephritis or sensorineural hearing loss (MATINS). Also called: MAY-HEGGLIN ANOMALY; MYH9-Related Disease (MYH9-RD); DOHLE LEUKOCYTE INCLUSIONS WITH GIANT PLATELETS; MACROTHROMBOCYTOPENIA WITH LEUKOCYTE INCLUSIONS; SEBASTIAN PLATELET SYNDROME; MACROTHROMBOCYTOPENIA WITH DISPERSED LEUKOCYTIC INCLUSIONS. Identifiers: Orphanet 182050, MedGen C5200934, MONDO:0015912, OMIM 155100.
Autosomal dominant nonsyndromic hearing loss 17. Also called: Deafness, autosomal dominant 17; Autosomal dominant nonsyndromic deafness 17. Identifiers: Orphanet 90635, MedGen C1863659, MONDO:0011350, OMIM 603622.
Inborn genetic diseases. Identifiers: MedGen C0950123, MeSH D030342.

Allele frequency attached by ClinVar (database versions not stated): gnomAD 0.00001 and 0.00002; gnomAD exomes 0.00002; TOPMed 0.00002.
gnomAD v4.1: 26 of 1,613,982 alleles (0.0016%); highest among the groups gnomAD compares: East Asian, 0.013%; no homozygotes.

Submissions (4):

Ambry Genetics
Classification: Likely benign for Inborn genetic diseases. Last evaluated: 2024-12-01. Review status: criteria provided, single submitter. Criteria: Ambry Variant Classification Scheme 2023. Collection method: clinical testing. Allele origin: germline.

Fulgent Genetics
Classification: Uncertain significance for Macrothrombocytopenia and granulocyte inclusions with or without nephritis or sensorineural hearing loss; Autosomal dominant nonsyndromic hearing loss 17. Last evaluated: 2024-04-08. Review status: criteria provided, single submitter. Criteria: ACMG Guidelines, 2015. Collection method: clinical testing. Allele origin: germline.

GeneDx
Classification: Uncertain significance. Last evaluated: 2024-03-18. Review status: criteria provided, single submitter. Criteria: GeneDx Variant Classification Process June 2021. Collection method: clinical testing. Allele origin: germline. Affected: yes.
Comment: In silico analysis supports that this missense variant does not alter protein structure/function; Has not been previously published as pathogenic or benign to our knowledge

Labcorp Genetics (formerly Invitae), Labcorp
Classification: Likely benign. Last evaluated: 2023-07-29. Review status: criteria provided, single submitter. Criteria: Invitae Variant Classification Sherloc (09022015). Collection method: clinical testing. Allele origin: germline.